The following is an entry in ClinVar:

ClinVar aggregate classification (germline): Uncertain significance. Review status: criteria provided, multiple submitters, no conflicts (2 of 4 stars). 3 submissions from 3 submitters: Uncertain significance (3). Last evaluated 2025-08-11.

Conditions:
Inborn genetic diseases. Identifiers: MedGen C0950123, MeSH D030342.

Allele frequency attached by ClinVar (database versions not stated): gnomAD exomes 0.00006; ExAC 0.00007; ESP Exome Variant Server 0.00023; gnomAD 0.00023; TOPMed 0.00025; 1000 Genomes Project 0.00040; 1000 Genomes Project 30x 0.00047.
gnomAD v4.1: 127 of 1,613,992 alleles (0.0079%); highest among the groups gnomAD compares: African/African-American, 0.06%; 1 homozygote.

Submissions (3):

Ambry Genetics
Classification: Uncertain significance for Inborn genetic diseases. Last evaluated: 2025-08-11. Review status: criteria provided, single submitter. Criteria: Ambry Variant Classification Scheme 2023. Collection method: clinical testing. Allele origin: germline.

Labcorp Genetics (formerly Invitae), Labcorp
Classification: Uncertain significance. Last evaluated: 2025-01-06. Review status: criteria provided, single submitter. Criteria: Invitae Variant Classification Sherloc (09022015). Collection method: clinical testing. Allele origin: germline.
Comment: This sequence change replaces arginine, which is basic and polar, with glutamine, which is neutral and polar, at codon 602 of the DENND5A protein (p.Arg602Gln). This variant is present in population databases (rs147590248, gnomAD 0.07%). This variant has not been reported in the literature in individuals affected with DENND5A-related conditions. ClinVar contains an entry for this variant (Variation ID: 2056617). Invitae Evidence Modeling of protein sequence and biophysical properties (such as structural, functional, and spatial information, amino acid conservation, physicochemical variation, residue mobility, and thermodynamic stability) indicates that this missense variant is not expected to disrupt DENND5A protein function with a negative predictive value of 80%. In summary, the available evidence is currently insufficient to determine the role of this variant in disease. Therefore, it has been classified as a Variant of Uncertain Significance.

Blueprint Genetics
Classification: Uncertain significance. Last evaluated: 2024-05-03. Review status: criteria provided, single submitter. Criteria: ACMG Guidelines, 2015. Collection method: clinical testing. Allele origin: germline.

NM_015213.4(DENND5A):c.1805G>A (p.Arg602Gln)

Gene: DENND5A (DENN domain containing 5A; minus strand). Cytogenetic location: 11p15.4.
Variant type: single nucleotide variant.
Coding change: c.1805G>A on transcript NM_015213.4 (MANE Select); coding-DNA position 1805, G replaced by A.
Protein change: p.Arg602Gln; replaces arginine 602 with glutamine.
Molecular consequence: missense variant. On other transcripts: non-coding transcript variant (1).
Genome position (GRCh38, 1-based): chr11:9,178,233, C>T on the plus strand (G>A on the coding strand, the complement: DENND5A is on the minus strand). VCF-style: chr11-9178233-C-T. GRCh37 (hg19) VCF-style: chr11-9199780-C-T.
Other names: c.1805G>A, p.Arg602Gln (NM_001243254.2, NM_001348748.1); c.1733G>A, p.Arg578Gln (NM_001348749.2); c.1517G>A, p.Arg506Gln (NM_001348750.2); short protein forms R578Q, R602Q, R506Q.
Identifiers: ClinVar variation 2056617 (VCV002056617.5), dbSNP rs147590248, ClinGen allele CA5877518.
Genomic context (GRCh38, chr11:9,178,233, plus strand): 5'-CGGAGAGTAGGTGTCCGAACATTCAACAGCCTGATCTTGTCAACTCGGGAATCAAATACC[C>T]GGAGTACAGGGTCTTTATCATCATCATCATGACACATTATTTTGTTGTCAATGAAAGATG-3'
Protein context (NP_056028.2, residues 592-612): HDDDDKDPVL[Arg602Gln]VFDSRVDKIR